The following is an entry in ClinVar:

NM_021035.3(ZNFX1):c.4052C>T (p.Thr1351Ile)

Gene: ZNFX1 (zinc finger NFX1-type containing 1; minus strand). Cytogenetic location: 20q13.13.
Variant type: single nucleotide variant.
Coding change: c.4052C>T on transcript NM_021035.3 (MANE Select); coding-DNA position 4052, C replaced by T.
Protein change: p.Thr1351Ile; replaces threonine 1351 with isoleucine.
Molecular consequence: missense variant.
Genome position (GRCh38, 1-based): chr20:49,248,972, G>A on the plus strand (C>T on the coding strand, the complement: ZNFX1 is on the minus strand). VCF-style: chr20-49248972-G-A. GRCh37 (hg19) VCF-style: chr20-47865509-G-A.
Other names: short protein forms T1351I.
Identifiers: ClinVar variation 2687966 (VCV002687966.2), dbSNP rs238209, ClinGen allele CA9901946.

ClinVar aggregate classification (germline): Benign (1 of 4 stars; one submission).

Allele frequency attached by ClinVar (database versions not stated): 1000 Genomes Project 30x 0.59650; 1000 Genomes Project 0.59984; TOPMed 0.66159; gnomAD 0.68245; ESP Exome Variant Server 0.68945; ExAC 0.69513; gnomAD exomes 0.74976.
gnomAD v4.1: 1,199,132 of 1,614,086 alleles (74%); highest among the groups gnomAD compares: Non-Finnish European, 77%; 450,520 homozygotes.

Submission:

Unidad de Genómica Garrahan, Hospital de Pediatría Garrahan
Classification: Benign. Last evaluated: 2024-01-24. Review status: criteria provided, single submitter. Criteria: ACMG Guidelines, 2015. Collection method: clinical testing. Allele origin: germline. Affected: no. Observed: 81 variant alleles.
Comment: This variant is classified as Benign based on local population frequency. This variant was detected in 85% of patients studied by a panel of primary immunodeficiencies. Number of patients: 81. Only high quality variants are reported.